The following is an entry in ClinVar:

NM_001042492.3(NF1):c.4903T>C (p.Tyr1635His)

Gene: NF1 (neurofibromin 1; plus strand). Cytogenetic location: 17q11.2.
Variant type: single nucleotide variant.
Coding change: c.4903T>C on transcript NM_001042492.3 (MANE Select); coding-DNA position 4903, T replaced by C.
Protein change: p.Tyr1635His; replaces tyrosine 1635 with histidine.
Molecular consequence: missense variant.
Genome position (GRCh38, 1-based): chr17:31,325,887, T>C. VCF-style: chr17-31325887-T-C. GRCh37 (hg19) VCF-style: chr17-29652905-T-C.
Other names: c.4840T>C, p.Tyr1614His (NM_000267.4); short protein forms Y1614H, Y1635H.
Identifiers: ClinVar variation 2826402 (VCV002826402.3), dbSNP rs2151537715, ClinGen allele CA399007071.

ClinVar aggregate classification (germline): Uncertain significance (1 of 4 stars; one submission).

Conditions:
Neurofibromatosis, type 1 (NF1). Also called: VON RECKLINGHAUSEN DISEASE; Peripheral type neurofibromatosis; Neurofibromatosis, type I; NEUROFIBROMATOSIS, TYPE I, SOMATIC. Identifiers: Orphanet 636, MedGen C0027831, MONDO:0018975, OMIM 162200. Disease mechanism: loss of function.

Submission:

Labcorp Genetics (formerly Invitae), Labcorp
Classification: Uncertain significance for Neurofibromatosis, type 1. Last evaluated: 2023-01-05. Review status: criteria provided, single submitter. Criteria: Invitae Variant Classification Sherloc (09022015). Collection method: clinical testing. Allele origin: germline.
Comment: In summary, the available evidence is currently insufficient to determine the role of this variant in disease. Therefore, it has been classified as a Variant of Uncertain Significance. Advanced modeling of protein sequence and biophysical properties (such as structural, functional, and spatial information, amino acid conservation, physicochemical variation, residue mobility, and thermodynamic stability) performed at Invitae indicates that this missense variant is expected to disrupt NF1 protein function. This variant has not been reported in the literature in individuals affected with NF1-related conditions. This variant is not present in population databases (gnomAD no frequency). This sequence change replaces tyrosine, which is neutral and polar, with histidine, which is basic and polar, at codon 1614 of the NF1 protein (p.Tyr1614His).